The following is an entry in ClinVar:

ClinVar aggregate classification (germline): Conflicting classifications of pathogenicity. Review status: criteria provided, conflicting classifications (1 of 4 stars). 9 submissions from 9 submitters: Uncertain significance (1); Benign (1); Likely benign (4). 3 of the submissions do not count toward it. Last evaluated 2026-01-26.

Conditions:
MYO15A-related disorder. Also called: MYO15A-related condition.
Autosomal recessive nonsyndromic hearing loss 3. Also called: NEUROSENSORY NONSYNDROMIC RECESSIVE DEAFNESS 3. Identifiers: Orphanet 90636, MedGen C1838263, MONDO:0010860, OMIM 600316.

Allele frequency attached by ClinVar (database versions not stated): TOPMed 0.00129; ESP Exome Variant Server 0.00137; ExAC 0.00166; gnomAD exomes 0.00177 and 0.00200; gnomAD 0.00197 and 0.00205.
gnomAD v4.1: 3,165 of 1,613,658 alleles (0.2%); highest among the groups gnomAD compares: Non-Finnish European, 0.22%; 9 homozygotes.

Submissions (9):

Labcorp Genetics (formerly Invitae), Labcorp
Classification: Likely benign. Last evaluated: 2026-01-26. Review status: criteria provided, single submitter. Criteria: Invitae Variant Classification Sherloc (09022015). Collection method: clinical testing. Allele origin: germline.

CeGaT Center for Human Genetics Tuebingen
Classification: Likely benign. Last evaluated: 2026-01-01. Review status: criteria provided, single submitter. Criteria: CeGaT Center For Human Genetics Tuebingen Variant Classification Criteria Version 2. Collection method: clinical testing. Allele origin: germline. Affected: yes. Observed: 8 variant alleles.
Comment: MYO15A: BS1:Supporting

ARUP Laboratories, Molecular Genetics and Genomics, ARUP Laboratories
Classification: Benign for Autosomal recessive nonsyndromic hearing loss 3. Last evaluated: 2023-09-27. Review status: criteria provided, single submitter. Criteria: ARUP Molecular Germline Variant Investigation Process 2024. Collection method: clinical testing. Allele origin: germline.

GeneDx
Classification: Likely benign. Last evaluated: 2020-10-20. Review status: criteria provided, single submitter. Criteria: GeneDx Variant Classification Process June 2021. Collection method: clinical testing. Allele origin: germline. Affected: yes.
Comment: This variant is associated with the following publications: (PMID: 32860223, 30180840, 30245029, 24123792)

Illumina Laboratory Services, Illumina
Classification: Uncertain significance for Autosomal recessive nonsyndromic hearing loss 3. Last evaluated: 2018-01-12. Review status: criteria provided, single submitter. Criteria: ICSL Variant Classification Criteria 13 December 2019. Collection method: clinical testing. Allele origin: germline.

Laboratory for Molecular Medicine, Mass General Brigham Personalized Medicine
Classification: Likely benign. Last evaluated: 2017-01-13. Review status: criteria provided, single submitter. Criteria: LMM Criteria. Collection method: clinical testing. Allele origin: germline. Observed: 10 variant alleles.
Comment: p.Arg1763Trp in exon 20 of MYO15A: This variant is not expected to have clinical significance because it has been identified in 0.6% (42/6614) of Finnish chromo somes by the Exome Aggregation Consortium (ExAC; dbSNP rs200146361).

PreventionGenetics, part of Exact Sciences
Classification: Likely benign for MYO15A-related condition. Last evaluated: 2020-02-18. Review status: no assertion criteria provided. Collection method: clinical testing. Allele origin: germline. Not counted in ClinVar's aggregate classification.
Comment: This variant is classified as likely benign based on ACMG/AMP sequence variant interpretation guidelines (Richards et al. 2015 PMID: 25741868, with internal and published modifications).

Clinical Genetics DNA and cytogenetics Diagnostics Lab, Erasmus MC, Erasmus Medical Center
Classification: Uncertain significance. Review status: no assertion criteria provided. Collection method: clinical testing. Allele origin: germline. Affected: yes. Study: VKGL Data-share Consensus. Not counted in ClinVar's aggregate classification.

Joint Genome Diagnostic Labs from Nijmegen and Maastricht, Radboudumc and MUMC+
Classification: Uncertain significance. Review status: no assertion criteria provided. Collection method: clinical testing. Allele origin: germline. Affected: yes. Study: VKGL Data-share Consensus. Not counted in ClinVar's aggregate classification.

Literature cited by the submitters: PubMed 24123792 (cited by Laboratory for Molecular Medicine, Mass General Brigham Personalized Medicine).

NM_016239.4(MYO15A):c.5287C>T (p.Arg1763Trp)

Gene: MYO15A (myosin XVA; plus strand). Cytogenetic location: 17p11.2.
Variant type: single nucleotide variant.
Coding change: c.5287C>T on transcript NM_016239.4 (MANE Select); coding-DNA position 5287, C replaced by T.
Protein change: p.Arg1763Trp; replaces arginine 1763 with tryptophan.
Molecular consequence: missense variant.
Genome position (GRCh38, 1-based): chr17:18,140,592, C>T. VCF-style: chr17-18140592-C-T. GRCh37 (hg19) VCF-style: chr17-18043906-C-T.
Other names: short protein forms R1763W.
Identifiers: ClinVar variation 178443 (VCV000178443.69), dbSNP rs200146361, ClinGen allele CA182344.